The following is an entry in ClinVar:

NM_000466.3(PEX1):c.716C>G (p.Ser239Ter)

Gene: PEX1 (peroxisomal biogenesis factor 1; minus strand). Cytogenetic location: 7q21.2.
Variant type: single nucleotide variant.
Coding change: c.716C>G on transcript NM_000466.3 (MANE Select); coding-DNA position 716, C replaced by G.
Protein change: p.Ser239Ter; replaces serine 239 with a stop codon.
Molecular consequence: nonsense.
Genome position (GRCh38, 1-based): chr7:92,517,799, G>C on the plus strand (C>G on the coding strand, the complement: PEX1 is on the minus strand). VCF-style: chr7-92517799-G-C. GRCh37 (hg19) VCF-style: chr7-92147113-G-C.
Other names: c.716C>G, p.Ser239Ter (NM_001282677.2); c.92C>G, p.Ser31Ter (NM_001282678.2); short protein forms S239*, S31*.
Identifiers: ClinVar variation 1726780 (VCV001726780.3), dbSNP rs1792868421, ClinGen allele CA368200322.

ClinVar aggregate classification (germline): Likely pathogenic (1 of 4 stars; one submission).

Conditions:
Peroxisome biogenesis disorder. Identifiers: Orphanet 79189, MedGen C1832200, MONDO:0019234. Disease mechanism: loss of function.

Submission:

Myriad Genetics, Inc.
Classification: Likely pathogenic for Peroxisome biogenesis disorder. Last evaluated: 2022-01-02. Review status: criteria provided, single submitter. Criteria: Myriad Autosomal Dominant, Autosomal Recessive and X-Linked Classification Criteria (2023). Collection method: clinical testing. Allele origin: unknown.
Comment: NM_000466.2(PEX1):c.716C>G(S239*) is expected to be pathogenic in the context of peroxisome biogenesis disorder type 1. This variant is predicted to lead to an abnormal or absent protein product due to the creation of a premature termination codon in PEX1, a gene where loss-of-function variants are known to be pathogenic. Please note: this variant was assessed in the context of healthy population screening.